The following is an entry in ClinVar:

NM_000132.4(F8):c.5122C>T (p.Arg1708Cys)

Gene: F8 (coagulation factor VIII; minus strand). Cytogenetic location: Xq28.
Variant type: single nucleotide variant.
Coding change: c.5122C>T on transcript NM_000132.4 (MANE Select); coding-DNA position 5122, C replaced by T.
Protein change: p.Arg1708Cys; replaces arginine 1708 with cysteine.
Molecular consequence: missense variant.
Genome position (GRCh38, 1-based): chrX:154,928,668, G>A on the plus strand (C>T on the coding strand, the complement: F8 is on the minus strand). VCF-style: chrX-154928668-G-A. GRCh37 (hg19) VCF-style: chrX-154156943-G-A.
Other names: F8, ARG1689CYS; R1689C; short protein forms R1708C.
Identifiers: ClinVar variation 10114 (VCV000010114.58), dbSNP rs111033613, ClinGen allele CA120919.

ClinVar aggregate classification (germline): Pathogenic. Review status: criteria provided, multiple submitters, no conflicts (2 of 4 stars). 9 submissions from 8 submitters: Pathogenic (4). 5 of the submissions do not count toward it. Last evaluated 2021-03-18.

Conditions:
F8-related disorders.
FACTOR VIII (EAST HARTFORD).
Hereditary factor VIII deficiency disease (HEMA). Also called: AUTOSOMAL HEMOPHILIA A; Hemophilia A, congenital; HEM A; Factor 8 deficiency, congenital; Hemophilia A; HEMOPHILIA, CLASSIC. Identifiers: Orphanet 98878, MedGen C0019069, MONDO:0010602, OMIM 306700.

Allele frequency attached by ClinVar (database versions not stated): gnomAD 0.00001.
gnomAD v4.1: 1 of 1,208,032 alleles (0.000083%); highest among the groups gnomAD compares: Non-Finnish European, 0.00011%; no homozygotes.

Submissions (9):

Blueprint Genetics
Classification: Pathogenic for F8-related disorders. Last evaluated: 2021-03-18. Review status: criteria provided, single submitter. Criteria: ACMG Guidelines, 2015. Collection method: clinical testing. Allele origin: germline. Affected: yes. Observed: 2 variant alleles.

ARUP Laboratories, Molecular Genetics and Genomics, ARUP Laboratories
Classification: Pathogenic for Hereditary factor VIII deficiency disease. Last evaluated: 2020-11-20. Review status: criteria provided, single submitter. Criteria: ARUP Molecular Germline Variant Investigation Process 2021. Collection method: clinical testing. Allele origin: germline.
Comment: The F8 c.5122C>T; p.Arg1708Cys variant (rs111033613), also known as Arg1689Cys, is reported in the literature in multiple individuals affected with moderate hemophilia A (see link to Factor VIII database and references therein). This variant is reported in ClinVar (Variation ID: 10114), and is absent from general population databases (Exome Variant Server, Genome Aggregation Database), indicating it is not a common polymorphism. The arginine at codon 1708 is highly conserved, and computational analyses predict that this variant is deleterious (REVEL: 0.941). The arginine residue at this position is critical for the thrombin-mediated cleavage required to generate an activated F8 fragment (Pittman 1988), and p.Arg1708Cys variant prevents the processing of the F8 protein into the activated form (Arai 1990, Kamisue 1994). Additionally, other amino acid substitutions at this codon (p.Arg1708Ser, p.Arg1708His, p.Arg1708Leu) have been reported in individuals with hemophilia A and are considered pathogenic (Factor VIII database and references therein). Based on available information, this variant is considered to be pathogenic. References: Factor VIII variant database: Arai M et al. Characterization of a thrombin cleavage site mutation (Arg 1689 to Cys) in the factor VIII gene of two unrelated patients with cross-reacting material-positive hemophilia A. Blood. 1990 75(2):384-9. Kamisue S et al. Abnormal factor VIII Hiroshima: defect in crucial proteolytic cleavage by thrombin at Arg1689 detected by a novel ELISA. Br J Haematol. 1994 86(1):106-11. Pittman D et al. Proteolytic requirements for thrombin activation of anti-hemophilic factor (factor VIII). Proc Natl Acad Sci U S A. 1988 85(8):2429-33.

CeGaT Center for Human Genetics Tuebingen
Classification: Pathogenic. Last evaluated: 2018-04-01. Review status: criteria provided, single submitter. Criteria: CeGaT Center For Human Genetics Tuebingen Variant Classification Criteria Version 2. Collection method: clinical testing. Allele origin: germline. Affected: yes. Observed: 2 variant alleles.

Centre for Mendelian Genomics, University Medical Centre Ljubljana
Classification: Pathogenic for Hereditary factor VIII deficiency disease. Last evaluated: 2016-01-01. Review status: criteria provided, single submitter. Criteria: ACMG Guidelines, 2015. Collection method: clinical testing. Allele origin: unknown. Affected: yes.
Comment: This variant was classified as: Pathogenic. The following ACMG criteria were applied in classifying this variant: PS1,PS3,PM2,PP3,PP5.

Angelo Bianchi Bonomi Hemophilia and Thrombosis Center, Fondazione IRCCS Ca Granda Ospedale Maggiore Policlinico
Classification: Pathogenic for Hereditary factor VIII deficiency disease. Last evaluated: 2019-06-01. Review status: no assertion criteria provided. Collection method: clinical testing. Allele origin: germline. Affected: yes. Observed: 1 variant allele. Not counted in ClinVar's aggregate classification.

OMIM
Classification: Pathogenic for HEMOPHILIA A. Last evaluated: 1992-05-01. Review status: no assertion criteria provided. Collection method: literature only. Allele origin: germline. Not counted in ClinVar's aggregate classification.

OMIM
Classification: Pathogenic for FACTOR VIII (EAST HARTFORD). Last evaluated: 1992-05-01. Review status: no assertion criteria provided. Collection method: literature only. Allele origin: germline. Not counted in ClinVar's aggregate classification.

Genome Diagnostics Laboratory, University Medical Center Utrecht
Classification: Pathogenic. Review status: no assertion criteria provided. Collection method: clinical testing. Allele origin: germline. Affected: yes. Study: VKGL Data-share Consensus. Not counted in ClinVar's aggregate classification.

Joint Genome Diagnostic Labs from Nijmegen and Maastricht, Radboudumc and MUMC+
Classification: Pathogenic. Review status: no assertion criteria provided. Collection method: clinical testing. Allele origin: germline. Affected: yes. Study: VKGL Data-share Consensus. Not counted in ClinVar's aggregate classification.

Literature cited by the submitters: PubMed 2104766 (cited by Angelo Bianchi Bonomi Hemophilia and Thrombosis Center, Fondazione IRCCS Ca Granda Ospedale Maggiore Policlinico and OMIM); PubMed 11857744 (cited by Angelo Bianchi Bonomi Hemophilia and Thrombosis Center, Fondazione IRCCS Ca Granda Ospedale Maggiore Policlinico); PubMed 16769589 (cited by Angelo Bianchi Bonomi Hemophilia and Thrombosis Center, Fondazione IRCCS Ca Granda Ospedale Maggiore Policlinico); PubMed 2901224 (cited by Angelo Bianchi Bonomi Hemophilia and Thrombosis Center, Fondazione IRCCS Ca Granda Ospedale Maggiore Policlinico); PubMed 2105906 (cited by Angelo Bianchi Bonomi Hemophilia and Thrombosis Center, Fondazione IRCCS Ca Granda Ospedale Maggiore Policlinico); PubMed 15810915 (cited by Angelo Bianchi Bonomi Hemophilia and Thrombosis Center, Fondazione IRCCS Ca Granda Ospedale Maggiore Policlinico); PubMed 11298607 (cited by Angelo Bianchi Bonomi Hemophilia and Thrombosis Center, Fondazione IRCCS Ca Granda Ospedale Maggiore Policlinico); PubMed 8011517 (cited by Angelo Bianchi Bonomi Hemophilia and Thrombosis Center, Fondazione IRCCS Ca Granda Ospedale Maggiore Policlinico); PubMed 8307558 (cited by Angelo Bianchi Bonomi Hemophilia and Thrombosis Center, Fondazione IRCCS Ca Granda Ospedale Maggiore Policlinico); PubMed 9326186 (cited by Angelo Bianchi Bonomi Hemophilia and Thrombosis Center, Fondazione IRCCS Ca Granda Ospedale Maggiore Policlinico); PubMed 1973901 (cited by Angelo Bianchi Bonomi Hemophilia and Thrombosis Center, Fondazione IRCCS Ca Granda Ospedale Maggiore Policlinico); PubMed 7794769 (cited by Angelo Bianchi Bonomi Hemophilia and Thrombosis Center, Fondazione IRCCS Ca Granda Ospedale Maggiore Policlinico); PubMed 9594277 (cited by Angelo Bianchi Bonomi Hemophilia and Thrombosis Center, Fondazione IRCCS Ca Granda Ospedale Maggiore Policlinico); PubMed 1851341 (cited by Angelo Bianchi Bonomi Hemophilia and Thrombosis Center, Fondazione IRCCS Ca Granda Ospedale Maggiore Policlinico); PubMed 11554935 (cited by Angelo Bianchi Bonomi Hemophilia and Thrombosis Center, Fondazione IRCCS Ca Granda Ospedale Maggiore Policlinico); PubMed 16601827 (cited by Angelo Bianchi Bonomi Hemophilia and Thrombosis Center, Fondazione IRCCS Ca Granda Ospedale Maggiore Policlinico); PubMed 10404764 (cited by Angelo Bianchi Bonomi Hemophilia and Thrombosis Center, Fondazione IRCCS Ca Granda Ospedale Maggiore Policlinico); PubMed 29296726 (cited by Angelo Bianchi Bonomi Hemophilia and Thrombosis Center, Fondazione IRCCS Ca Granda Ospedale Maggiore Policlinico); PubMed 16173970 (cited by Angelo Bianchi Bonomi Hemophilia and Thrombosis Center, Fondazione IRCCS Ca Granda Ospedale Maggiore Policlinico); PubMed 18387975 (cited by Angelo Bianchi Bonomi Hemophilia and Thrombosis Center, Fondazione IRCCS Ca Granda Ospedale Maggiore Policlinico); PubMed 21070499 (cited by Angelo Bianchi Bonomi Hemophilia and Thrombosis Center, Fondazione IRCCS Ca Granda Ospedale Maggiore Policlinico); PubMed 21883705 (cited by Angelo Bianchi Bonomi Hemophilia and Thrombosis Center, Fondazione IRCCS Ca Granda Ospedale Maggiore Policlinico); PubMed 2986011 (cited by OMIM); PubMed 1569180 (cited by OMIM); PubMed 1569181 (cited by OMIM).